The following is an entry in ClinVar:

ClinVar aggregate classification (germline): Uncertain significance. Review status: criteria provided, multiple submitters, no conflicts (2 of 4 stars). 2 submissions from 2 submitters: Uncertain significance (2). Last evaluated 2020-09-22.

Conditions:
Dilated cardiomyopathy 1G (CMD1G). Identifiers: Orphanet 154, MedGen C1858763, MONDO:0011400, OMIM 604145.
Autosomal recessive limb-girdle muscular dystrophy type 2J (LGMDR10). Also called: Limb-girdle muscular dystrophy, type 2J; MUSCULAR DYSTROPHY, LIMB-GIRDLE, AUTOSOMAL RECESSIVE 10. Identifiers: Orphanet 140922, MedGen C1837342, MONDO:0012127, OMIM 608807.

Allele frequency attached by ClinVar (database versions not stated): gnomAD exomes below 0.00001.
gnomAD v4.1: 3 of 1,613,400 alleles (0.00019%); highest among the groups gnomAD compares: Non-Finnish European, 0.00025%; no homozygotes.

Submissions (2):

Labcorp Genetics (formerly Invitae), Labcorp
Classification: Uncertain significance for Dilated cardiomyopathy 1G; Autosomal recessive limb-girdle muscular dystrophy type 2J. Last evaluated: 2020-09-22. Review status: criteria provided, single submitter. Criteria: Invitae Variant Classification Sherloc (09022015). Collection method: clinical testing. Allele origin: germline.
Comment: Algorithms developed to predict the effect of missense changes on protein structure and function are unavailable for the TTN gene. This variant is located in the A band of TTN (PMID: 25589632). Variants in this region may be relevant for cardiac or neuromuscular disorders (PMID: 25589632, 23975875). In summary, the available evidence is currently insufficient to determine the role of this variant in disease. Therefore, it has been classified as a Variant of Uncertain Significance. This variant has not been reported in the literature in individuals with TTN-related conditions. ClinVar contains an entry for this variant (Variation ID: 586899). This variant is not present in population databases (ExAC no frequency). This sequence change replaces leucine with proline at codon 25291 of the TTN protein (p.Leu25291Pro). There is a moderate physicochemical difference between leucine and proline.

Athena Diagnostics
Classification: Uncertain significance. Last evaluated: 2018-07-24. Review status: criteria provided, single submitter. Criteria: Athena Diagnostics Criteria. Collection method: clinical testing. Allele origin: germline.

Literature cited by the submitters: PubMed 25589632 (cited by Labcorp Genetics (formerly Invitae), Labcorp); PubMed 23975875 (cited by Labcorp Genetics (formerly Invitae), Labcorp).

NM_001267550.2(TTN):c.75872T>C (p.Leu25291Pro)

Genes: TTN-AS1 (TTN antisense RNA 1; plus strand), TTN (titin; minus strand). Cytogenetic location: 2q31.2.
Variant type: single nucleotide variant.
Coding change: c.75872T>C on transcript NM_001267550.2 (MANE Select); coding-DNA position 75872, T replaced by C.
Protein change: p.Leu25291Pro; replaces leucine 25291 with proline.
Molecular consequence: missense variant.
Genome position (GRCh38, 1-based): chr2:178,570,260, A>G on the plus strand (T>C on the coding strand, the complement: TTN is on the minus strand). VCF-style: chr2-178570260-A-G. GRCh37 (hg19) VCF-style: chr2-179434987-A-G.
Other names: c.75872T>C (LRG_391t1); c.70949T>C, p.Leu23650Pro (NM_001256850.1); c.48677T>C, p.Leu16226Pro (NM_003319.4); c.68168T>C, p.Leu22723Pro (NM_133378.4); c.49052T>C, p.Leu16351Pro (NM_133432.3); c.49253T>C, p.Leu16418Pro (NM_133437.4); short protein forms L25291P, L16418P, L23650P, L16351P, L16226P, L22723P.
Identifiers: ClinVar variation 586899 (VCV000586899.8), dbSNP rs1559388448, ClinGen allele CA349619335.